The following is an entry in ClinVar:

ClinVar aggregate classification (germline): Likely benign (1 of 4 stars; one submission).

Allele frequency attached by ClinVar (database versions not stated): gnomAD 0.00299; 1000 Genomes Project 30x 0.01796; ExAC 0.01812.
gnomAD v4.1: 6,633 of 1,498,106 alleles (0.44%); highest among the groups gnomAD compares: South Asian, 2%; 2,423 homozygotes.

Submission:

CeGaT Center for Human Genetics Tuebingen
Classification: Likely benign. Last evaluated: 2024-03-01. Review status: criteria provided, single submitter. Criteria: CeGaT Center For Human Genetics Tuebingen Variant Classification Criteria Version 2. Collection method: clinical testing. Allele origin: germline. Affected: yes. Observed: 2 variant alleles.
Comment: SPATA31A6: BS2

NM_001145196.1(SPATA31A6):c.1090G>C (p.Gly364Arg)

Gene: SPATA31A6 (SPATA31 subfamily A member 6; plus strand). Cytogenetic location: 9p11.2.
Variant type: single nucleotide variant.
Coding change: c.1090G>C on transcript NM_001145196.1 (MANE Select); coding-DNA position 1090, G replaced by C.
Protein change: p.Gly364Arg; replaces glycine 364 with arginine.
Molecular consequence: missense variant.
Genome position (GRCh38, 1-based): chr9:42,186,792, G>C. VCF-style: chr9-42186792-G-C. GRCh37 (hg19) VCF-style: chr9-43627597-C-G.
Other names: short protein forms G364R.
Identifiers: ClinVar variation 2659217 (VCV002659217.24), dbSNP rs2808966, ClinGen allele CA5067738.